The following is an entry in ClinVar:

NM_003200.5(TCF3):c.1082A>G (p.Gln361Arg)

Gene: TCF3 (transcription factor 3; minus strand). Cytogenetic location: 19p13.3.
Variant type: single nucleotide variant.
Coding change: c.1082A>G on transcript NM_003200.5 (MANE Select); coding-DNA position 1082, A replaced by G.
Protein change: p.Gln361Arg; replaces glutamine 361 with arginine.
Molecular consequence: missense variant.
Genome position (GRCh38, 1-based): chr19:1,620,979, T>C on the plus strand (A>G on the coding strand, the complement: TCF3 is on the minus strand). VCF-style: chr19-1620979-T-C. GRCh37 (hg19) VCF-style: chr19-1620978-T-C.
Other names: c.1082A>G, p.Gln361Arg (NM_001136139.4, NM_001351778.2, NM_001351779.2); short protein forms Q361R.
Identifiers: ClinVar variation 2810811 (VCV002810811.3), dbSNP rs2513585228, ClinGen allele CA403054064.
Genomic context (GRCh38, chr19:1,620,979, plus strand): 5'-CAAACCCTCACAGACCTCAGCCTCCCCTCCCCCCAAAACCCTCACAGACCTGCCAGGCCC[T>C]GGGGGGAGCCCACGGGGGTAGAAGGGCTGGACGAGAAGTTATTGCTTGAGTGATCCGGGG-3'
Protein context (NP_003191.1, residues 351-371): SSPSTPVGSP[Gln361Arg]GLAGTSQWPR

ClinVar aggregate classification (germline): Uncertain significance (1 of 4 stars; one submission).

Allele frequency attached by ClinVar (database versions not stated): gnomAD exomes below 0.00001.
gnomAD v4.1: 1 of 1,499,484 alleles (0.000067%); highest among the groups gnomAD compares: South Asian, 0.0013%; no homozygotes.

Submission:

Labcorp Genetics (formerly Invitae), Labcorp
Classification: Uncertain significance. Last evaluated: 2022-10-30. Review status: criteria provided, single submitter. Criteria: Invitae Variant Classification Sherloc (09022015). Collection method: clinical testing. Allele origin: germline.
Comment: In summary, the available evidence is currently insufficient to determine the role of this variant in disease. Therefore, it has been classified as a Variant of Uncertain Significance. Advanced modeling of protein sequence and biophysical properties (such as structural, functional, and spatial information, amino acid conservation, physicochemical variation, residue mobility, and thermodynamic stability) performed at Invitae indicates that this missense variant is expected to disrupt TCF3 protein function. This variant has not been reported in the literature in individuals affected with TCF3-related conditions. This variant is not present in population databases (gnomAD no frequency). This sequence change replaces glutamine, which is neutral and polar, with arginine, which is basic and polar, at codon 361 of the TCF3 protein (p.Gln361Arg).